The following is an entry in ClinVar:

NM_173628.4(DNAH17):c.7558T>G (p.Phe2520Val)

Genes: DNAH17 (dynein axonemal heavy chain 17; minus strand), DNAH17-AS1 (DNAH17 antisense RNA 1; plus strand). Cytogenetic location: 17q25.3.
Variant type: single nucleotide variant.
Coding change: c.7558T>G on transcript NM_173628.4 (MANE Select); coding-DNA position 7558, T replaced by G.
Protein change: p.Phe2520Val; replaces phenylalanine 2520 with valine.
Molecular consequence: missense variant. On other transcripts: non-coding transcript variant (1).
Genome position (GRCh38, 1-based): chr17:78,484,959, A>C on the plus strand (T>G on the coding strand, the complement: DNAH17 is on the minus strand). VCF-style: chr17-78484959-A-C. GRCh37 (hg19) VCF-style: chr17-76481041-A-C.
Other names: short protein forms F2520V.
Identifiers: ClinVar variation 2234915 (VCV002234915.19), dbSNP rs200203879, ClinGen allele CA8802263.

ClinVar aggregate classification (germline): Conflicting classifications of pathogenicity. Review status: criteria provided, conflicting classifications (1 of 4 stars). 3 submissions from 3 submitters: Uncertain significance (1); Likely benign (1). 1 of the submissions does not count toward it. Last evaluated 2025-12-01.

Conditions:
DNAH17-related disorder. Also called: DNAH17-related condition.
Inborn genetic diseases. Identifiers: MedGen C0950123, MeSH D030342.

Allele frequency attached by ClinVar (database versions not stated): 1000 Genomes Project 30x 0.00078; 1000 Genomes Project 0.00080; TOPMed 0.00156; ESP Exome Variant Server 0.00222; gnomAD 0.00230; gnomAD exomes 0.00281; ExAC 0.00302.
gnomAD v4.1: 4,408 of 1,613,166 alleles (0.27%); highest among the groups gnomAD compares: Non-Finnish European, 0.31%; 7 homozygotes.

Submissions (3):

CeGaT Center for Human Genetics Tuebingen
Classification: Likely benign. Last evaluated: 2025-12-01. Review status: criteria provided, single submitter. Criteria: CeGaT Center For Human Genetics Tuebingen Variant Classification Criteria Version 2. Collection method: clinical testing. Allele origin: germline. Affected: yes. Observed: 2 variant alleles.
Comment: DNAH17: BS2

Ambry Genetics
Classification: Uncertain significance for Inborn genetic diseases. Last evaluated: 2022-05-04. Review status: criteria provided, single submitter. Criteria: Ambry Variant Classification Scheme 2023. Collection method: clinical testing. Allele origin: germline.

PreventionGenetics, part of Exact Sciences
Classification: Benign for DNAH17-related condition. Last evaluated: 2019-12-19. Review status: no assertion criteria provided. Collection method: clinical testing. Allele origin: germline. Not counted in ClinVar's aggregate classification.
Comment: This variant is classified as benign based on ACMG/AMP sequence variant interpretation guidelines (Richards et al. 2015 PMID: 25741868, with internal and published modifications).